The following is an entry in ClinVar:

NM_016292.3(TRAP1):c.734C>T (p.Ser245Leu)

Gene: TRAP1 (TNF receptor associated protein 1; minus strand). Cytogenetic location: 16p13.3.
Variant type: single nucleotide variant.
Coding change: c.734C>T on transcript NM_016292.3 (MANE Select); coding-DNA position 734, C replaced by T.
Protein change: p.Ser245Leu; replaces serine 245 with leucine.
Molecular consequence: missense variant.
Genome position (GRCh38, 1-based): chr16:3,676,116, G>A on the plus strand (C>T on the coding strand, the complement: TRAP1 is on the minus strand). VCF-style: chr16-3676116-G-A. GRCh37 (hg19) VCF-style: chr16-3726117-G-A.
Other names: c.575C>T, p.Ser192Leu (NM_001272049.2); short protein forms S192L, S245L.
Identifiers: ClinVar variation 2972168 (VCV002972168.3), dbSNP rs779627210, ClinGen allele CA7868516.

ClinVar aggregate classification (germline): Uncertain significance (1 of 4 stars; one submission).

Allele frequency attached by ClinVar (database versions not stated): gnomAD exomes 0.00001; gnomAD 0.00003; TOPMed 0.00003; ExAC 0.00004.
gnomAD v4.1: 22 of 1,613,958 alleles (0.0014%); highest among the groups gnomAD compares: East Asian, 0.022%; no homozygotes.

Submission:

Labcorp Genetics (formerly Invitae), Labcorp
Classification: Uncertain significance. Last evaluated: 2024-04-29. Review status: criteria provided, single submitter. Criteria: Invitae Variant Classification Sherloc (09022015). Collection method: clinical testing. Allele origin: germline.
Comment: This sequence change replaces serine, which is neutral and polar, with leucine, which is neutral and non-polar, at codon 245 of the TRAP1 protein (p.Ser245Leu). This variant is present in population databases (rs779627210, gnomAD 0.04%). This variant has not been reported in the literature in individuals affected with TRAP1-related conditions. Advanced modeling of protein sequence and biophysical properties (such as structural, functional, and spatial information, amino acid conservation, physicochemical variation, residue mobility, and thermodynamic stability) performed at Invitae indicates that this missense variant is not expected to disrupt TRAP1 protein function with a negative predictive value of 80%. In summary, the available evidence is currently insufficient to determine the role of this variant in disease. Therefore, it has been classified as a Variant of Uncertain Significance.